The following is an entry in ClinVar:

ClinVar aggregate classification (germline): Uncertain significance (1 of 4 stars; one submission).

Conditions:
Inborn genetic diseases. Identifiers: MedGen C0950123, MeSH D030342.

Submission:

Ambry Genetics
Classification: Uncertain significance for Inborn genetic diseases. Last evaluated: 2026-07-23. Review status: criteria provided, single submitter. Criteria: Ambry Variant Classification Scheme 2023. Collection method: clinical testing. Allele origin: germline.
Comment: The p.N799S variant (also known as c.2396A>G), located in coding exon 14 of the FANCM gene, results from an A to G substitution at nucleotide position 2396. The asparagine at codon 799 is replaced by serine, an amino acid with highly similar properties. This amino acid position is conserved. In addition, this alteration is predicted to be tolerated by in silico analysis. Based on the available evidence, the clinical significance of this variant remains unclear.

NM_020937.4(FANCM):c.2396A>G (p.Asn799Ser)

Gene: FANCM (FA complementation group M; plus strand). Cytogenetic location: 14q21.2.
Variant type: single nucleotide variant.
Coding change: c.2396A>G on transcript NM_020937.4 (MANE Select); coding-DNA position 2396, A replaced by G.
Protein change: p.Asn799Ser; replaces asparagine 799 with serine.
Molecular consequence: missense variant.
Genome position (GRCh38, 1-based): chr14:45,175,150, A>G. VCF-style: chr14-45175150-A-G. GRCh37 (hg19) VCF-style: chr14-45644353-A-G.
Other names: c.2318A>G, p.Asn773Ser (NM_001308133.2); short protein forms N773S, N799S.
Identifiers: ClinVar variation 5036635 (VCV005036635.1).